The following is an entry in ClinVar:

ClinVar aggregate classification (germline): Likely benign. Review status: criteria provided, single submitter (1 of 4 stars). 2 submissions from 2 submitters: Likely benign (1). 1 of the submissions does not count toward it. Last evaluated 2025-03-17.

Conditions:
COL2A1-related disorder. Also called: COL2A1-related condition; COL2A1-related disorders.

Allele frequency attached by ClinVar (database versions not stated): gnomAD exomes below 0.00001; ExAC 0.00001.
gnomAD v4.1: 1 of 1,613,732 alleles (0.000062%); highest among the groups gnomAD compares: East Asian, 0.0022%; no homozygotes.

Submissions (2):

Labcorp Genetics (formerly Invitae), Labcorp
Classification: Likely benign. Last evaluated: 2025-03-17. Review status: criteria provided, single submitter. Criteria: Invitae Variant Classification Sherloc (09022015). Collection method: clinical testing. Allele origin: germline.

PreventionGenetics, part of Exact Sciences
Classification: Likely benign for COL2A1-related condition. Last evaluated: 2021-10-11. Review status: no assertion criteria provided. Collection method: clinical testing. Allele origin: germline. Not counted in ClinVar's aggregate classification.
Comment: This variant is classified as likely benign based on ACMG/AMP sequence variant interpretation guidelines (Richards et al. 2015 PMID: 25741868, with internal and published modifications).

NM_001844.5(COL2A1):c.3003+7G>T

Gene: COL2A1 (collagen type II alpha 1 chain; minus strand). Cytogenetic location: 12q13.11.
Variant type: single nucleotide variant.
Coding change: c.3003+7G>T on transcript NM_001844.5 (MANE Select); 7 bases into the intron after coding-DNA position 3003, G replaced by T.
Molecular consequence: intron variant.
Genome position (GRCh38, 1-based): chr12:47,978,284, C>A on the plus strand (G>T on the coding strand, the complement: COL2A1 is on the minus strand). VCF-style: chr12-47978284-C-A. GRCh37 (hg19) VCF-style: chr12-48372067-C-A.
Other names: c.3003+7G>T (NM_001844.4); c.2796+7G>T (NM_033150.3).
Identifiers: ClinVar variation 2786116 (VCV002786116.5), dbSNP rs759071286, ClinGen allele CA6534931.